The following is an entry in ClinVar:

ClinVar aggregate classification (germline): Uncertain significance (1 of 4 stars; one submission).

Conditions:
Premature ovarian failure 6 (POF6). Identifiers: MedGen C2676742, MONDO:0012861, OMIM 612310.

Allele frequency attached by ClinVar (database versions not stated): gnomAD 0.00001; gnomAD exomes 0.00001; ESP Exome Variant Server 0.00008; TOPMed 0.00002; ExAC 0.00003.

Submission:

Illumina Laboratory Services, Illumina
Classification: Uncertain significance for Premature ovarian failure 6. Last evaluated: 2017-05-30. Review status: criteria provided, single submitter. Criteria: ICSL Variant Classification Criteria 13 December 2019. Collection method: clinical testing. Allele origin: germline.
Comment: This variant was observed as part of a predisposition screen in an ostensibly healthy population. A literature search was performed for the gene, cDNA change, and amino acid change (where applicable). Publications were found based on this search. However, the evidence from the literature, in combination with allele frequency data from public databases where available, was not sufficient to rule this variant in or out of causing disease. Therefore, this variant is classified as a variant of unknown significance.

Literature cited by the submitters: PubMed 25314148.

NM_001004311.3(FIGLA):c.247C>T (p.Arg83Cys)

Gene: FIGLA (folliculogenesis specific bHLH transcription factor; minus strand). Cytogenetic location: 2p13.3.
Variant type: single nucleotide variant.
Coding change: c.247C>T on transcript NM_001004311.3 (MANE Select); coding-DNA position 247, C replaced by T.
Protein change: p.Arg83Cys; replaces arginine 83 with cysteine.
Molecular consequence: missense variant.
Genome position (GRCh38, 1-based): chr2:70,787,786, G>A on the plus strand (C>T on the coding strand, the complement: FIGLA is on the minus strand). VCF-style: chr2-70787786-G-A. GRCh37 (hg19) VCF-style: chr2-71014918-G-A.
Other names: short protein forms R83C.
Identifiers: ClinVar variation 898225 (VCV000898225.4), dbSNP rs369140654, ClinGen allele CA1699692.